The following is an entry in ClinVar:

ClinVar aggregate classification (germline): Benign. Review status: criteria provided, multiple submitters, no conflicts (2 of 4 stars). 4 submissions from 4 submitters: Benign (4). Last evaluated 2026-09-21.

Allele frequency attached by ClinVar (database versions not stated): gnomAD 0.08620 and 0.09121; TOPMed 0.09340; ESP Exome Variant Server 0.09526; 1000 Genomes Project 30x 0.09760; gnomAD exomes 0.03864; ExAC 0.04402; 1000 Genomes Project 0.09285.
gnomAD v4.1: 57,290 of 1,604,162 alleles (3.6%); highest among the groups gnomAD compares: African/African-American, 24%; 2,689 homozygotes.

Submissions (4):

Molecular Diagnostic Laboratory for Inherited Cardiovascular Disease, Montreal Heart Institute
Classification: Benign. Last evaluated: 2026-09-21. Review status: criteria provided, single submitter. Criteria: ACMG Guidelines, 2015. Collection method: clinical testing. Allele origin: germline. Affected: no.
Comment: BA1

GeneDx
Classification: Benign. Last evaluated: 2018-06-18. Review status: criteria provided, single submitter. Criteria: GeneDx Variant Classification (06012015). Collection method: clinical testing. Allele origin: germline. Affected: yes.
Comment: This variant is considered likely benign or benign based on one or more of the following criteria: it is a conservative change, it occurs at a poorly conserved position in the protein, it is predicted to be benign by multiple in silico algorithms, and/or has population frequency not consistent with disease.

Breakthrough Genomics
Classification: Benign. Review status: criteria provided, single submitter. Criteria: ACMG Guidelines, 2015. Collection method: not provided. Allele origin: germline. Inheritance: Autosomal recessive inheritance. Affected: yes.

PreventionGenetics, part of Exact Sciences
Classification: Benign. Review status: criteria provided, single submitter. Criteria: ACMG Guidelines, 2015. Collection method: clinical testing. Allele origin: germline.

NM_000090.4(COL3A1):c.3202-40G>A

Gene: COL3A1 (collagen type III alpha 1 chain; plus strand). Cytogenetic location: 2q32.2.
Variant type: single nucleotide variant.
Coding change: c.3202-40G>A on transcript NM_000090.4 (MANE Select); 40 bases into the intron before coding-DNA position 3202, G replaced by A.
Molecular consequence: intron variant.
Genome position (GRCh38, 1-based): chr2:189,006,897, G>A. VCF-style: chr2-189006897-G-A. GRCh37 (hg19) VCF-style: chr2-189871623-G-A.
Identifiers: ClinVar variation 254968 (VCV000254968.4), dbSNP rs10194475, ClinGen allele CA075937.